The following is an entry in ClinVar:

NM_006206.6(PDGFRA):c.980del (p.Val327fs)

Gene: PDGFRA (platelet derived growth factor receptor alpha; plus strand). Cytogenetic location: 4q12.
Variant type: Deletion.
Coding change: c.980del on transcript NM_006206.6 (MANE Select); coding-DNA position 980, one base deleted (T; older notation c.980delT).
Protein change: p.Val327fs; shifts the reading frame from valine 327.
Molecular consequence: frameshift variant.
Genome position (GRCh38, 1-based): chr4:54,267,600, T deleted. VCF-style (leftmost placement, unchanged base first): chr4-54267599-GT-G. GRCh37 (hg19) VCF-style: chr4-55133766-GT-G.
Other names: c.980del, p.Val327fs (NM_001347827.2, NM_001347829.2); c.1055del, p.Val352fs (NM_001347828.2); c.1019del, p.Val340fs (NM_001347830.2); short protein forms V352fs, V327fs, V340fs.
Identifiers: ClinVar variation 3887334 (VCV003887334.1).

ClinVar aggregate classification (germline): Uncertain significance (1 of 4 stars; one submission).

Conditions:
Hereditary cancer-predisposing syndrome. Also called: Tumor predisposition; Neoplastic Syndromes, Hereditary; Hereditary Cancer Syndrome; Hereditary neoplastic syndrome. Identifiers: Orphanet 140162, MedGen C0027672, MeSH D009386, MONDO:0015356.

Submission:

Ambry Genetics
Classification: Uncertain significance for Hereditary cancer-predisposing syndrome. Last evaluated: 2024-12-19. Review status: criteria provided, single submitter. Criteria: Ambry Variant Classification Scheme 2023. Collection method: clinical testing. Allele origin: germline.
Comment: The c.980delT variant, located in coding exon 6 of the PDGFRA gene, results from a deletion of one nucleotide at nucleotide position 980, causing a translational frameshift with a predicted alternate stop codon (p.V327Afs*11). This alteration is expected to result in protein truncation or nonsense-mediated mRNA decay. However, loss of function of PDGFRA has not been established as a mechanism of disease. Based on the available evidence, the clinical significance of this alteration remains unclear.